The following is an entry in ClinVar:

ClinVar aggregate classification (germline): Uncertain significance (1 of 4 stars; one submission).

Conditions:
Spermatogenic failure 18. Identifiers: MedGen C4539783, MONDO:0054615, OMIM 617576.
Ciliary dyskinesia, primary, 37 (CILD37). Also called: CILIARY DYSKINESIA, PRIMARY, 37, WITH OR WITHOUT SITUS INVERSUS. Identifiers: MedGen C4539798, MONDO:0033204, OMIM 617577.

Submission:

Labcorp Genetics (formerly Invitae), Labcorp
Classification: Uncertain significance for Ciliary dyskinesia, primary, 37; Spermatogenic failure 18. Last evaluated: 2021-10-11. Review status: criteria provided, single submitter. Criteria: Invitae Variant Classification Sherloc (09022015). Collection method: clinical testing. Allele origin: germline.
Comment: In summary, the available evidence is currently insufficient to determine the role of this variant in disease. Therefore, it has been classified as a Variant of Uncertain Significance. Algorithms developed to predict the effect of missense changes on protein structure and function are either unavailable or do not agree on the potential impact of this missense change (SIFT: "Deleterious"; PolyPhen-2: "Benign"; Align-GVGD: "Class C65"). This variant has not been reported in the literature in individuals affected with DNAH1-related conditions. This variant is not present in population databases (ExAC no frequency). This sequence change replaces cysteine with phenylalanine at codon 844 of the DNAH1 protein (p.Cys844Phe). The cysteine residue is highly conserved and there is a large physicochemical difference between cysteine and phenylalanine.

NM_015512.5(DNAH1):c.2531G>T (p.Cys844Phe)

Gene: DNAH1 (dynein axonemal heavy chain 1; plus strand). Cytogenetic location: 3p21.1.
Variant type: single nucleotide variant.
Coding change: c.2531G>T on transcript NM_015512.5 (MANE Select); coding-DNA position 2531, G replaced by T.
Protein change: p.Cys844Phe; replaces cysteine 844 with phenylalanine.
Molecular consequence: missense variant.
Genome position (GRCh38, 1-based): chr3:52,349,993, G>T. VCF-style: chr3-52349993-G-T. GRCh37 (hg19) VCF-style: chr3-52384009-G-T.
Other names: short protein forms C844F.
Identifiers: ClinVar variation 1386043 (VCV001386043.6), dbSNP rs780729738, ClinGen allele CA353103430.